The following is an entry in ClinVar:

ClinVar aggregate classification (germline): Conflicting classifications of pathogenicity. Review status: criteria provided, conflicting classifications (1 of 4 stars). 5 submissions from 5 submitters: Uncertain significance (2); Likely benign (3). Last evaluated 2025-11-09.

Conditions:
Hereditary breast ovarian cancer syndrome. Also called: Breast and ovarian cancer; Hereditary breast and ovarian cancer; Hereditary breast and/or ovarian cancer syndrome; BRCA1- and BRCA2-Associated Hereditary Breast and Ovarian Cancer; Hereditary breast and ovarian cancer syndrome (HBOC); Hereditary breast and ovarian cancer syndrome. Identifiers: Orphanet 145, MedGen C0677776, MeSH D061325, MONDO:0003582. Disease mechanism: loss of function.
Hereditary cancer-predisposing syndrome. Also called: Tumor predisposition; Neoplastic Syndromes, Hereditary; Hereditary neoplastic syndrome; Hereditary Cancer Syndrome. Identifiers: Orphanet 140162, MedGen C0027672, MeSH D009386, MONDO:0015356.

Allele frequency attached by ClinVar (database versions not stated): gnomAD exomes below 0.00001; gnomAD 0.00001; TOPMed 0.00003.
gnomAD v4.1: 3 of 1,595,370 alleles (0.00019%); highest among the groups gnomAD compares: African/African-American, 0.004%; no homozygotes.

Submissions (5):

Labcorp Genetics (formerly Invitae), Labcorp
Classification: Likely benign for Hereditary breast ovarian cancer syndrome. Last evaluated: 2025-11-09. Review status: criteria provided, single submitter. Criteria: Invitae Variant Classification Sherloc (09022015). Collection method: clinical testing. Allele origin: germline.

Quest Diagnostics Nichols Institute San Juan Capistrano
Classification: Uncertain significance. Last evaluated: 2023-11-22. Review status: criteria provided, single submitter. Criteria: Quest Diagnostics criteria. Collection method: clinical testing. Allele origin: unknown.
Comment: The BRCA2 c.636A>G (p.Arg212=) synonymous variant has not been reported in individuals with BRCA2-related conditions in the published literature. The frequency of this variant in the general population, 0.0000036 (1/275974 chromosomes (Genome Aggregation Database)), is uninformative in the assessment of its pathogenicity. Analysis of this variant using software algorithms for the prediction of the effect of nucleotide changes on splicing yielded predictions that this variant does not affect BRCA2 mRNA splicing. Based on the available information, we are unable to determine the clinical significance of this variant.

GeneDx
Classification: Uncertain significance. Last evaluated: 2023-10-09. Review status: criteria provided, single submitter. Criteria: GeneDx Variant Classification Process June 2021. Collection method: clinical testing. Allele origin: germline. Affected: yes.
Comment: Not observed at significant frequency in large population cohorts (gnomAD); In silico analysis supports that this variant does not alter splicing; Has not been previously published as pathogenic or benign to our knowledge; Also known as 864A>G; This variant is associated with the following publications: (PMID: 14580256)

Women's Health and Genetics/Laboratory Corporation of America, LabCorp
Classification: Likely benign. Last evaluated: 2019-08-21. Review status: criteria provided, single submitter. Criteria: LabCorp Variant Classification Summary - May 2015. Collection method: clinical testing. Allele origin: germline.

Ambry Genetics
Classification: Likely benign for Hereditary cancer-predisposing syndrome. Last evaluated: 2015-12-23. Review status: criteria provided, single submitter. Criteria: Ambry Variant Classification Scheme 2023. Collection method: clinical testing. Allele origin: germline.

NM_000059.4(BRCA2):c.636A>G (p.Arg212=)

Gene: BRCA2 (BRCA2 DNA repair associated; plus strand). Cytogenetic location: 13q13.1.
Variant type: single nucleotide variant.
Coding change: c.636A>G on transcript NM_000059.4 (MANE Select); coding-DNA position 636, A replaced by G.
Protein change: p.Arg212=; no amino-acid change (arginine 212 retained).
Molecular consequence: synonymous variant.
Genome position (GRCh38, 1-based): chr13:32,329,447, A>G. VCF-style: chr13-32329447-A-G. GRCh37 (hg19) VCF-style: chr13-32903584-A-G.
Identifiers: ClinVar variation 415642 (VCV000415642.20), dbSNP rs950724350, ClinGen allele CA16614101.